The following is an entry in ClinVar:

ClinVar aggregate classification (germline): Uncertain significance (1 of 4 stars; one submission).

Conditions:
ASXL3-related disorder. Also called: ASXL3-related condition. Identifiers: MedGen CN381524.

Allele frequency attached by ClinVar (database versions not stated): gnomAD exomes below 0.00001.
gnomAD v4.1: 1 of 1,613,644 alleles (0.000062%); highest among the groups gnomAD compares: East Asian, 0.0022%; no homozygotes.

Submission:

PreventionGenetics, part of Exact Sciences
Classification: Uncertain significance for ASXL3-related condition. Last evaluated: 2023-06-29. Review status: criteria provided, single submitter. Criteria: ACMG Guidelines, 2015. Collection method: clinical testing. Allele origin: germline.
Comment: The ASXL3 c.1419A>G variant is predicted to result in the amino acid substitution p.Ile473Met. To our knowledge, this variant has not been reported in the literature. This variant is reported in 0.0056% of alleles in individuals of East Asian descent in gnomAD. At this time, the clinical significance of this variant is uncertain due to the absence of conclusive functional and genetic evidence.

NM_030632.3(ASXL3):c.1419A>G (p.Ile473Met)

Gene: ASXL3 (ASXL transcriptional regulator 3; plus strand). Cytogenetic location: 18q12.1.
Variant type: single nucleotide variant.
Coding change: c.1419A>G on transcript NM_030632.3 (MANE Select); coding-DNA position 1419, A replaced by G.
Protein change: p.Ile473Met; replaces isoleucine 473 with methionine.
Molecular consequence: missense variant.
Genome position (GRCh38, 1-based): chr18:33,738,823, A>G. VCF-style: chr18-33738823-A-G. GRCh37 (hg19) VCF-style: chr18-31318787-A-G.
Other names: short protein forms I473M.
Identifiers: ClinVar variation 2632180 (VCV002632180.1), dbSNP rs1336468727, ClinGen allele CA402175275.